The following is an entry in ClinVar:

NM_017780.4(CHD7):c.6553_6554delinsTT (p.Glu2185Leu)

Gene: CHD7 (chromodomain helicase DNA binding protein 7; plus strand). Cytogenetic location: 8q12.2.
Variant type: Indel.
Coding change: c.6553_6554delinsTT on transcript NM_017780.4 (MANE Select); coding-DNA positions 6553 to 6554, GA replaced by TT.
Protein change: p.Glu2185Leu; replaces glutamic acid 2185 with leucine.
Molecular consequence: missense variant. On other transcripts: intron variant (1).
Genome position (GRCh38, 1-based): chr8:60,853,278-60,853,279, GA replaced by TT. VCF-style: chr8-60853278-GA-TT. GRCh37 (hg19) VCF-style: chr8-61765837-GA-TT.
Other names: c.1717-8951_1717-8950delinsTT (NM_001316690.1); c.6553_6554delinsTT (NM_017780.3); short protein forms E2185L.
Identifiers: ClinVar variation 1312684 (VCV001312684.8), dbSNP rs2150810874, ClinGen allele CA2573053032.

ClinVar aggregate classification (germline): Conflicting classifications of pathogenicity. Review status: criteria provided, conflicting classifications (1 of 4 stars). 3 submissions from 3 submitters: Uncertain significance (2); Likely benign (1). Last evaluated 2026-02-03.

Conditions:
CHD7-related disorder. Also called: CHD7-related condition.
CHARGE syndrome (CHARGE). Also called: Hittner Hirsch Kreh syndrome; CHARGE ASSOCIATION--COLOBOMA, HEART ANOMALY, CHOANAL ATRESIA, RETARDATION, GENITAL AND EAR ANOMALIES; Coloboma, heart anomaly, choanal atresia, retardation, genital and ear anomalies; CHARGE association; Hall-Hittner syndrome. Identifiers: Orphanet 138, MedGen C0265354, MONDO:0008965.

Submissions (3):

Labcorp Genetics (formerly Invitae), Labcorp
Classification: Uncertain significance for CHARGE syndrome. Last evaluated: 2026-02-03. Review status: criteria provided, single submitter. Criteria: Invitae Variant Classification Sherloc (09022015). Collection method: clinical testing. Allele origin: germline.
Comment: This sequence change replaces glutamic acid, which is acidic and polar, with leucine, which is neutral and non-polar, at codon 2185 of the CHD7 protein (p.Glu2185Leu). This variant is present in population databases (no rsID available, gnomAD 0.003%). This variant has not been reported in the literature in individuals affected with CHD7-related conditions. ClinVar contains an entry for this variant (Variation ID: 1312684). An algorithm developed to predict the effect of missense changes on protein structure and function (PolyPhen-2) suggests that this variant is likely to be disruptive. In summary, the available evidence is currently insufficient to determine the role of this variant in disease. Therefore, it has been classified as a Variant of Uncertain Significance.

PreventionGenetics, part of Exact Sciences
Classification: Uncertain significance for CHD7-related condition. Last evaluated: 2024-10-30. Review status: criteria provided, single submitter. Criteria: ACMG Guidelines, 2015. Collection method: clinical testing. Allele origin: germline.
Comment: The CHD7 c.6553_6554delinsTT variant is predicted to result in an in-frame deletion and insertion. To our knowledge, this variant has not been reported in the literature. This variant is reported in 0.025% of alleles in individuals of African descent in gnomAD reported as two adjacent variants. At this time, the clinical significance of this variant is uncertain due to the absence of conclusive functional and genetic evidence.

GeneDx
Classification: Likely benign. Last evaluated: 2021-03-02. Review status: criteria provided, single submitter. Criteria: GeneDx Variant Classification Process June 2021. Collection method: clinical testing. Allele origin: germline. Affected: yes.